The following is an entry in ClinVar:

ClinVar aggregate classification (germline): Uncertain significance (1 of 4 stars; one submission).

Conditions:
DYRK1A-related intellectual disability syndrome (MRD7). Also called: DYRK1A Syndrome; Intellectual developmental disorder, autosomal dominant 7. Identifiers: Orphanet 464306, MedGen C5568143, MONDO:0013578, OMIM 614104.

Submission:

Labcorp Genetics (formerly Invitae), Labcorp
Classification: Uncertain significance for DYRK1A-related intellectual disability syndrome. Last evaluated: 2023-09-01. Review status: criteria provided, single submitter. Criteria: Invitae Variant Classification Sherloc (09022015). Collection method: clinical testing. Allele origin: germline.
Comment: This sequence change replaces proline, which is neutral and non-polar, with leucine, which is neutral and non-polar, at codon 470 of the DYRK1A protein (p.Pro470Leu). In summary, the available evidence is currently insufficient to determine the role of this variant in disease. Therefore, it has been classified as a Variant of Uncertain Significance. Advanced modeling of protein sequence and biophysical properties (such as structural, functional, and spatial information, amino acid conservation, physicochemical variation, residue mobility, and thermodynamic stability) performed at Invitae indicates that this missense variant is expected to disrupt DYRK1A protein function. ClinVar contains an entry for this variant (Variation ID: 1035399). This missense change has been observed in individual(s) with neurodevelopmental disorders (PMID: 33004838). This variant is not present in population databases (gnomAD no frequency).

Literature cited by the submitters: PubMed 33004838.

NM_001347721.2(DYRK1A):c.1382C>T (p.Pro461Leu)

Gene: DYRK1A (dual specificity tyrosine phosphorylation regulated kinase 1A; plus strand). Cytogenetic location: 21q22.13.
Variant type: single nucleotide variant.
Coding change: c.1382C>T on transcript NM_001347721.2 (MANE Select); coding-DNA position 1382, C replaced by T.
Protein change: p.Pro461Leu; replaces proline 461 with leucine.
Molecular consequence: missense variant.
Genome position (GRCh38, 1-based): chr21:37,505,452, C>T. VCF-style: chr21-37505452-C-T. GRCh37 (hg19) VCF-style: chr21-38877755-C-T.
Other names: c.1382C>T, p.Pro461Leu (NM_001347722.2, NM_130436.2); c.1295C>T, p.Pro432Leu (NM_001347723.2); c.1409C>T, p.Pro470Leu (NM_001396.5, NM_101395.2, NM_130438.2); short protein forms P470L, P432L, P461L.
Identifiers: ClinVar variation 1035399 (VCV001035399.9), dbSNP rs2053567991, ClinGen allele CA409938463.